The following is an entry in ClinVar:

NM_001384474.1(LOXHD1):c.131-5T>C

Gene: LOXHD1 (lipoxygenase homology PLAT domains 1; minus strand). Cytogenetic location: 18q21.1.
Variant type: single nucleotide variant.
Coding change: c.131-5T>C on transcript NM_001384474.1 (MANE Select); 5 bases into the intron before coding-DNA position 131, T replaced by C.
Molecular consequence: intron variant.
Genome position (GRCh38, 1-based): chr18:46,649,274, A>G on the plus strand (T>C on the coding strand, the complement: LOXHD1 is on the minus strand). VCF-style: chr18-46649274-A-G. GRCh37 (hg19) VCF-style: chr18-44229237-A-G.
Other names: c.131-5T>C (NM_144612.7).
Identifiers: ClinVar variation 793848 (VCV000793848.10), dbSNP rs1028082247, ClinGen allele CA299811812.

ClinVar aggregate classification (germline): Likely benign. Review status: criteria provided, single submitter (1 of 4 stars). 2 submissions from 2 submitters: Likely benign (1). 1 of the submissions does not count toward it. Last evaluated 2023-12-21.

Conditions:
LOXHD1-related disorder. Also called: LOXHD1-related condition.

Allele frequency attached by ClinVar (database versions not stated): gnomAD exomes 0.00001; gnomAD 0.00004; TOPMed 0.00006.
gnomAD v4.1: 14 of 1,546,378 alleles (0.00091%); highest among the groups gnomAD compares: African/African-American, 0.015%; no homozygotes.

Submissions (2):

Labcorp Genetics (formerly Invitae), Labcorp
Classification: Likely benign. Last evaluated: 2023-12-21. Review status: criteria provided, single submitter. Criteria: Invitae Variant Classification Sherloc (09022015). Collection method: clinical testing. Allele origin: germline.

PreventionGenetics, part of Exact Sciences
Classification: Likely benign for LOXHD1-related condition. Last evaluated: 2020-11-16. Review status: no assertion criteria provided. Collection method: clinical testing. Allele origin: germline. Not counted in ClinVar's aggregate classification.
Comment: This variant is classified as likely benign based on ACMG/AMP sequence variant interpretation guidelines (Richards et al. 2015 PMID: 25741868, with internal and published modifications).